The following is an entry in ClinVar:

NM_005157.6(ABL1):c.2754G>A (p.Pro918=)

Gene: ABL1 (ABL proto-oncogene 1, non-receptor tyrosine kinase; plus strand). Cytogenetic location: 9q34.12.
Variant type: single nucleotide variant.
Coding change: c.2754G>A on transcript NM_005157.6 (MANE Select); coding-DNA position 2754, G replaced by A.
Protein change: p.Pro918=; no amino-acid change (proline 918 retained).
Molecular consequence: synonymous variant.
Genome position (GRCh38, 1-based): chr9:130,885,044, G>A. VCF-style: chr9-130885044-G-A. GRCh37 (hg19) VCF-style: chr9-133760431-G-A.
Other names: c.2811G>A (NM_007313.2); c.2811G>A, p.Pro937= (NM_007313.3).
Identifiers: ClinVar variation 2149831 (VCV002149831.6), dbSNP rs770973621, ClinGen allele CA5285760.

ClinVar aggregate classification (germline): Likely benign. Review status: criteria provided, multiple submitters, no conflicts (2 of 4 stars). 3 submissions from 3 submitters: Likely benign (2). 1 of the submissions does not count toward it. Last evaluated 2024-12-30.

Conditions:
ABL1-related disorder. Also called: ABL1-related condition.

Allele frequency attached by ClinVar (database versions not stated): ExAC 0.00001; gnomAD 0.00001; TOPMed 0.00001; gnomAD exomes 0.00003.
gnomAD v4.1: 40 of 1,610,392 alleles (0.0025%); highest among the groups gnomAD compares: Non-Finnish European, 0.003%; no homozygotes.

Submissions (3):

Labcorp Genetics (formerly Invitae), Labcorp
Classification: Likely benign. Last evaluated: 2024-12-30. Review status: criteria provided, single submitter. Criteria: Invitae Variant Classification Sherloc (09022015). Collection method: clinical testing. Allele origin: germline.

Blueprint Genetics
Classification: Likely benign. Last evaluated: 2024-08-01. Review status: criteria provided, single submitter. Criteria: ACMG Guidelines, 2015. Collection method: clinical testing. Allele origin: germline.

PreventionGenetics, part of Exact Sciences
Classification: Likely benign for ABL1-related condition. Last evaluated: 2019-07-31. Review status: no assertion criteria provided. Collection method: clinical testing. Allele origin: germline. Not counted in ClinVar's aggregate classification.
Comment: This variant is classified as likely benign based on ACMG/AMP sequence variant interpretation guidelines (Richards et al. 2015 PMID: 25741868, with internal and published modifications).